The following is an entry in ClinVar:

NM_015100.4(POGZ):c.101A>T (p.Asn34Ile)

Gene: POGZ (pogo transposable element derived with ZNF domain; minus strand). Cytogenetic location: 1q21.3.
Variant type: single nucleotide variant.
Coding change: c.101A>T on transcript NM_015100.4 (MANE Select); coding-DNA position 101, A replaced by T.
Protein change: p.Asn34Ile; replaces asparagine 34 with isoleucine.
Molecular consequence: missense variant.
Genome position (GRCh38, 1-based): chr1:151,442,104, T>A on the plus strand (A>T on the coding strand, the complement: POGZ is on the minus strand). VCF-style: chr1-151442104-T-A. GRCh37 (hg19) VCF-style: chr1-151414580-T-A.
Other names: c.101A>T, p.Asn34Ile (NM_001194937.2, NM_001194938.2, NM_145796.4 and 1 more transcripts); c.122A>T, p.Asn41Ile (NM_001410860.1); short protein forms N34I, N41I.
Identifiers: ClinVar variation 4875138 (VCV004875138.2).

ClinVar aggregate classification (germline): Uncertain significance (1 of 4 stars; one submission).

Submission:

CeGaT Center for Human Genetics Tuebingen
Classification: Uncertain significance. Last evaluated: 2026-05-01. Review status: criteria provided, single submitter. Criteria: CeGaT Center For Human Genetics Tuebingen Variant Classification Criteria Version 2. Collection method: clinical testing. Allele origin: germline. Affected: yes. Observed: 1 variant allele.
Comment: POGZ: PM2